The following is an entry in ClinVar:

ClinVar aggregate classification (germline): Uncertain significance (1 of 4 stars; one submission).

Conditions:
Autosomal dominant hypocalcemia 1 (HYPOC1). Also called: HYPOCALCEMIA, FAMILIAL. Identifiers: MedGen C3715128, MONDO:0011013, OMIM 601198.
Familial hypocalciuric hypercalcemia (FHH). Also called: Familial benign hypercalcemia. Identifiers: Orphanet 405, MedGen C1809471, MONDO:0018458.

Allele frequency attached by ClinVar (database versions not stated): gnomAD exomes below 0.00001.
gnomAD v4.1: 1 of 1,614,178 alleles (0.000062%); highest among the groups gnomAD compares: Non-Finnish European, 0.000085%; no homozygotes.

Submission:

Labcorp Genetics (formerly Invitae), Labcorp
Classification: Uncertain significance for Familial hypocalciuric hypercalcemia; Autosomal dominant hypocalcemia 1. Last evaluated: 2024-09-23. Review status: criteria provided, single submitter. Criteria: Invitae Variant Classification Sherloc (09022015). Collection method: clinical testing. Allele origin: germline.
Comment: This sequence change replaces threonine, which is neutral and polar, with alanine, which is neutral and non-polar, at codon 355 of the CASR protein (p.Thr355Ala). This variant is not present in population databases (gnomAD no frequency). This variant has not been reported in the literature in individuals affected with CASR-related conditions. ClinVar contains an entry for this variant (Variation ID: 644355). An algorithm developed to predict the effect of missense changes on protein structure and function (PolyPhen-2) suggests that this variant is likely to be disruptive. In summary, the available evidence is currently insufficient to determine the role of this variant in disease. Therefore, it has been classified as a Variant of Uncertain Significance.

NM_000388.4(CASR):c.1063A>G (p.Thr355Ala)

Gene: CASR (calcium sensing receptor; plus strand). Cytogenetic location: 3q21.1.
Variant type: single nucleotide variant.
Coding change: c.1063A>G on transcript NM_000388.4 (MANE Select); coding-DNA position 1063, A replaced by G.
Protein change: p.Thr355Ala; replaces threonine 355 with alanine.
Molecular consequence: missense variant.
Genome position (GRCh38, 1-based): chr3:122,262,098, A>G. VCF-style: chr3-122262098-A-G. GRCh37 (hg19) VCF-style: chr3-121980945-A-G.
Other names: c.1063A>G, p.Thr355Ala (NM_001178065.2); short protein forms T355A.
Identifiers: ClinVar variation 644355 (VCV000644355.9), dbSNP rs1576859014, ClinGen allele CA354152473.
Genomic context (GRCh38, chr3:122,262,098, plus strand): 5'-AAGAAGGTCCATCCCAGGAAGTCTGTCCACAATGGTTTTGCCAAGGAGTTTTGGGAAGAA[A>G]CATTTAACTGCCACCTCCAAGAAGGTGCAAAAGGACCTTTACCTGTGGACACCTTTCTGA-3'
Protein context (NP_000379.3, residues 345-365): NGFAKEFWEE[Thr355Ala]FNCHLQEGAK